The following is an entry in ClinVar:

NM_015164.4(PLEKHM2):c.461A>T (p.Asp154Val)

Gene: PLEKHM2 (pleckstrin homology and RUN domain containing M2; plus strand). Cytogenetic location: 1p36.21.
Variant type: single nucleotide variant.
Coding change: c.461A>T on transcript NM_015164.4 (MANE Select); coding-DNA position 461, A replaced by T.
Protein change: p.Asp154Val; replaces aspartic acid 154 with valine.
Molecular consequence: missense variant.
Genome position (GRCh38, 1-based): chr1:15,718,621, A>T. VCF-style: chr1-15718621-A-T. GRCh37 (hg19) VCF-style: chr1-16045116-A-T.
Other names: short protein forms D154V.
Identifiers: ClinVar variation 478100 (VCV000478100.8), dbSNP rs764894986, ClinGen allele CA616691.

ClinVar aggregate classification (germline): Uncertain significance. Review status: criteria provided, multiple submitters, no conflicts (2 of 4 stars). 2 submissions from 2 submitters: Uncertain significance (2). Last evaluated 2025-11-03.

Conditions:
Dilated Cardiomyopathy, Recessive.

Allele frequency attached by ClinVar (database versions not stated): TOPMed 0.00005; ExAC below 0.00001; gnomAD 0.00006 and 0.00005; gnomAD exomes below 0.00001.
gnomAD v4.1: 11 of 1,325,524 alleles (0.00083%); highest among the groups gnomAD compares: African/African-American, 0.018%; no homozygotes.

Submissions (2):

Ambry Genetics
Classification: Uncertain significance. Last evaluated: 2025-11-03. Review status: criteria provided, single submitter. Criteria: Ambry Variant Classification Scheme 2023. Collection method: clinical testing. Allele origin: germline.

Labcorp Genetics (formerly Invitae), Labcorp
Classification: Uncertain significance. Last evaluated: 2024-10-28. Review status: criteria provided, single submitter. Criteria: Invitae Variant Classification Sherloc (09022015). Collection method: clinical testing. Allele origin: germline.
Comment: This sequence change replaces aspartic acid, which is acidic and polar, with valine, which is neutral and non-polar, at codon 154 of the PLEKHM2 protein (p.Asp154Val). This variant is present in population databases (rs764894986, gnomAD 0.03%). This variant has not been reported in the literature in individuals affected with PLEKHM2-related conditions. ClinVar contains an entry for this variant (Variation ID: 478100). An algorithm developed to predict the effect of missense changes on protein structure and function (PolyPhen-2) suggests that this variant is likely to be disruptive. In summary, the available evidence is currently insufficient to determine the role of this variant in disease. Therefore, it has been classified as a Variant of Uncertain Significance.